The following is an entry in ClinVar:

ClinVar aggregate classification (germline): Benign/Likely benign. Review status: criteria provided, multiple submitters, no conflicts (2 of 4 stars). 4 submissions from 4 submitters: Benign (2); Likely benign (1). 1 of the submissions does not count toward it. Last evaluated 2026-09-01.

Conditions:
SLC10A7-related disorder. Also called: SLC10A7-related condition.

Allele frequency attached by ClinVar (database versions not stated): 1000 Genomes Project 30x 0.00109; 1000 Genomes Project 0.00120; TOPMed 0.00342; gnomAD 0.00365 and 0.00404; ESP Exome Variant Server 0.00384; gnomAD exomes 0.00473 and 0.00497; ExAC 0.00601.

Submissions (4):

CeGaT Center for Human Genetics Tuebingen
Classification: Likely benign. Last evaluated: 2026-09-01. Review status: criteria provided, single submitter. Criteria: CeGaT Center For Human Genetics Tuebingen Variant Classification Criteria Version 2. Collection method: clinical testing. Allele origin: germline. Affected: yes. Observed: 4 variant alleles.
Comment: SLC10A7: BS2

Labcorp Genetics (formerly Invitae), Labcorp
Classification: Benign. Last evaluated: 2025-12-19. Review status: criteria provided, single submitter. Criteria: Invitae Variant Classification Sherloc (09022015). Collection method: clinical testing. Allele origin: germline.

Breakthrough Genomics
Classification: Benign. Review status: criteria provided, single submitter. Criteria: ACMG Guidelines, 2015. Collection method: not provided. Allele origin: germline. Inheritance: Autosomal recessive inheritance. Affected: yes.

PreventionGenetics, part of Exact Sciences
Classification: Benign for SLC10A7-related condition. Last evaluated: 2019-06-25. Review status: no assertion criteria provided. Collection method: clinical testing. Allele origin: germline. Not counted in ClinVar's aggregate classification.
Comment: This variant is classified as benign based on ACMG/AMP sequence variant interpretation guidelines (Richards et al. 2015 PMID: 25741868, with internal and published modifications).

NM_001029998.6(SLC10A7):c.928G>A (p.Ala310Thr)

Gene: SLC10A7 (solute carrier family 10 member 7; minus strand). Cytogenetic location: 4q31.22.
Variant type: single nucleotide variant.
Coding change: c.928G>A on transcript NM_001029998.6 (MANE Select); coding-DNA position 928, G replaced by A.
Protein change: p.Ala310Thr; replaces alanine 310 with threonine.
Molecular consequence: missense variant. On other transcripts: non-coding transcript variant (1).
Genome position (GRCh38, 1-based): chr4:146,258,757, C>T on the plus strand (G>A on the coding strand, the complement: SLC10A7 is on the minus strand). VCF-style: chr4-146258757-C-T. GRCh37 (hg19) VCF-style: chr4-147179909-C-T.
Other names: c.928G>A, p.Ala310Thr (NM_001300842.3); c.889G>A, p.Ala297Thr (NM_001317816.2); short protein forms A310T, A297T.
Identifiers: ClinVar variation 713617 (VCV000713617.33), dbSNP rs138035413, ClinGen allele CA3096663.
Genomic context (GRCh38, chr4:146,258,757, plus strand): 5'-GCCTTGATACCATCCAAGACTTGATTGTTGGCACCAACACACTTCCCAGAAGGATCTGAG[C>T]TGGGTGGTAGATGAGCAAGGGTACAGATATTAAAGAGAGATGCTCATGGCCTGCAAACAC-3'
Protein context (NP_001025169.1, residues 300-320): ISVPLLIYHP[Ala310Thr]QILLGSVLVP